The following is an entry in ClinVar:

ClinVar aggregate classification (germline): Uncertain significance. Review status: criteria provided, multiple submitters, no conflicts (2 of 4 stars). 2 submissions from 2 submitters: Uncertain significance (2). Last evaluated 2025-06-05.

gnomAD v4.1: 11 of 1,614,126 alleles (0.00068%); highest among the groups gnomAD compares: Non-Finnish European, 0.00093%; no homozygotes.

Submissions (2):

GeneDx
Classification: Uncertain significance. Last evaluated: 2025-06-05. Review status: criteria provided, single submitter. Criteria: GeneDx Variant Classification Process June 2021. Collection method: clinical testing. Allele origin: germline. Affected: yes.
Comment: Not observed at significant frequency in large population cohorts (gnomAD); In silico analysis supports that this missense variant has a deleterious effect on protein structure/function; Has not been previously published as pathogenic or benign to our knowledge

Labcorp Genetics (formerly Invitae), Labcorp
Classification: Uncertain significance. Last evaluated: 2023-09-06. Review status: criteria provided, single submitter. Criteria: Invitae Variant Classification Sherloc (09022015). Collection method: clinical testing. Allele origin: germline.
Comment: This variant is not present in population databases (gnomAD no frequency). This variant has not been reported in the literature in individuals affected with SCN3A-related conditions. Advanced modeling of protein sequence and biophysical properties (such as structural, functional, and spatial information, amino acid conservation, physicochemical variation, residue mobility, and thermodynamic stability) has been performed at Invitae for this missense variant, however the output from this modeling did not meet the statistical confidence thresholds required to predict the impact of this variant on SCN3A protein function. This sequence change replaces valine, which is neutral and non-polar, with methionine, which is neutral and non-polar, at codon 255 of the SCN3A protein (p.Val255Met). In summary, the available evidence is currently insufficient to determine the role of this variant in disease. Therefore, it has been classified as a Variant of Uncertain Significance.

NM_006922.4(SCN3A):c.763G>A (p.Val255Met)

Gene: SCN3A (sodium voltage-gated channel alpha subunit 3; minus strand). Cytogenetic location: 2q24.3.
Variant type: single nucleotide variant.
Coding change: c.763G>A on transcript NM_006922.4 (MANE Select); coding-DNA position 763, G replaced by A.
Protein change: p.Val255Met; replaces valine 255 with methionine.
Molecular consequence: missense variant.
Genome position (GRCh38, 1-based): chr2:165,162,760, C>T on the plus strand (G>A on the coding strand, the complement: SCN3A is on the minus strand). VCF-style: chr2-165162760-C-T. GRCh37 (hg19) VCF-style: chr2-166019270-C-T.
Other names: c.763G>A (NM_006922.3); c.763G>A, p.Val255Met (NM_001081676.2, NM_001081677.2); short protein forms V255M.
Identifiers: ClinVar variation 2903927 (VCV002903927.5), dbSNP rs2468478112, ClinGen allele CA349239304.